The following is an entry in ClinVar:

NM_198253.3(TERT):c.1013A>G (p.Lys338Arg)

Gene: TERT (telomerase reverse transcriptase; minus strand). Cytogenetic location: 5p15.33.
Variant type: single nucleotide variant.
Coding change: c.1013A>G on transcript NM_198253.3 (MANE Select); coding-DNA position 1013, A replaced by G.
Protein change: p.Lys338Arg; replaces lysine 338 with arginine.
Molecular consequence: missense variant. On other transcripts: non-coding transcript variant (2).
Genome position (GRCh38, 1-based): chr5:1,293,873, T>C on the plus strand (A>G on the coding strand, the complement: TERT is on the minus strand). VCF-style: chr5-1293873-T-C. GRCh37 (hg19) VCF-style: chr5-1293988-T-C.
Other names: c.1013A>G, p.Lys338Arg (NM_001193376.3); short protein forms K338R.
Identifiers: ClinVar variation 646904 (VCV000646904.14), dbSNP rs1393461978, ClinGen allele CA359055951.

ClinVar aggregate classification (germline): Conflicting classifications of pathogenicity. Review status: criteria provided, conflicting classifications (1 of 4 stars). 2 submissions from 2 submitters: Uncertain significance (1); Likely benign (1). Last evaluated 2025-07-15.

Conditions:
Dyskeratosis congenita, autosomal dominant 2. Identifiers: MedGen C3151443, MONDO:0013521, OMIM 613989.
Idiopathic Pulmonary Fibrosis. Also called: Idiopathic fibrosing alveolitis, chronic form; idiopathic fibrosing alveolitis. Identifiers: Orphanet 2032, MedGen C1800706, MeSH D054990, MONDO:0800504.
Dyskeratosis congenita. Identifiers: Orphanet 1775, MedGen C0265965, MONDO:0015780.

Allele frequency attached by ClinVar (database versions not stated): gnomAD 0.00001; gnomAD exomes 0.00001; TOPMed 0.00001.
gnomAD v4.1: 5 of 1,544,586 alleles (0.00032%); highest among the groups gnomAD compares: Non-Finnish European, 0.00044%; no homozygotes.

Submissions (2):

Ambry Genetics
Classification: Likely benign for Dyskeratosis congenita. Last evaluated: 2025-07-15. Review status: criteria provided, single submitter. Criteria: Ambry Variant Classification Scheme 2023. Collection method: clinical testing. Allele origin: germline.

Labcorp Genetics (formerly Invitae), Labcorp
Classification: Uncertain significance for Dyskeratosis congenita, autosomal dominant 2; Idiopathic Pulmonary Fibrosis. Last evaluated: 2024-04-10. Review status: criteria provided, single submitter. Criteria: Invitae Variant Classification Sherloc (09022015). Collection method: clinical testing. Allele origin: germline.
Comment: This sequence change replaces lysine, which is basic and polar, with arginine, which is basic and polar, at codon 338 of the TERT protein (p.Lys338Arg). This variant is not present in population databases (gnomAD no frequency). This variant has not been reported in the literature in individuals affected with TERT-related conditions. ClinVar contains an entry for this variant (Variation ID: 646904). Advanced modeling of protein sequence and biophysical properties (such as structural, functional, and spatial information, amino acid conservation, physicochemical variation, residue mobility, and thermodynamic stability) performed at Invitae indicates that this missense variant is not expected to disrupt TERT protein function with a negative predictive value of 95%. In summary, the available evidence is currently insufficient to determine the role of this variant in disease. Therefore, it has been classified as a Variant of Uncertain Significance.